The following is an entry in ClinVar:

ClinVar aggregate classification (germline): Benign. Review status: criteria provided, multiple submitters, no conflicts (2 of 4 stars). 6 submissions from 6 submitters: Benign (6). Last evaluated 2026-02-03.

Allele frequency attached by ClinVar (database versions not stated): gnomAD 0.29917 and 0.30180; TOPMed 0.29988; gnomAD exomes 0.30239; 1000 Genomes Project 0.26737; 1000 Genomes Project 30x 0.27139; ESP Exome Variant Server 0.29656; ExAC 0.29734.
gnomAD v4.1: 497,205 of 1,613,326 alleles (31%); highest among the groups gnomAD compares: Admixed American, 32%; 77,612 homozygotes.

Submissions (6):

Labcorp Genetics (formerly Invitae), Labcorp
Classification: Benign. Last evaluated: 2026-02-03. Review status: criteria provided, single submitter. Criteria: Invitae Variant Classification Sherloc (09022015). Collection method: clinical testing. Allele origin: germline.

Mayo Clinic Laboratories, Mayo Clinic
Classification: Benign. Last evaluated: 2019-06-24. Review status: criteria provided, single submitter. Criteria: ACMG Guidelines, 2015. Collection method: clinical testing. Allele origin: germline. Observed: 86 variant alleles.

GeneDx
Classification: Benign. Last evaluated: 2017-05-09. Review status: criteria provided, single submitter. Criteria: GeneDx Variant Classification (06012015). Collection method: clinical testing. Allele origin: germline. Affected: yes.
Comment: This variant is considered likely benign or benign based on one or more of the following criteria: it is a conservative change, it occurs at a poorly conserved position in the protein, it is predicted to be benign by multiple in silico algorithms, and/or has population frequency not consistent with disease.

Laboratory for Molecular Medicine, Mass General Brigham Personalized Medicine
Classification: Benign. Last evaluated: 2012-05-07. Review status: criteria provided, single submitter. Criteria: LMM Criteria. Collection method: clinical testing. Allele origin: germline. Observed: 862 variant alleles.
Comment: "Arg76Arg in Exon 03 of CCDC50: This variant is not expected to have clinical si gnificance because it does not alter an amino acid residue, is not located withi n the splice consensus sequence, and has been identified in 32.0% (2245/7020) of European American chromosomes from a broad population by the NHLBI Exome Sequen cing Project (dbSNP rs11542549)."

Breakthrough Genomics
Classification: Benign. Review status: criteria provided, single submitter. Criteria: ACMG Guidelines, 2015. Collection method: not provided. Allele origin: germline. Inheritance: Autosomal dominant inheritance. Affected: yes.

PreventionGenetics, part of Exact Sciences
Classification: Benign. Review status: criteria provided, single submitter. Criteria: ACMG Guidelines, 2015. Collection method: clinical testing. Allele origin: germline.

NM_178335.3(CCDC50):c.228C>T (p.Arg76=)

Gene: CCDC50 (coiled-coil domain containing 50; plus strand). Cytogenetic location: 3q28.
Variant type: single nucleotide variant.
Coding change: c.228C>T on transcript NM_178335.3 (MANE Select); coding-DNA position 228, C replaced by T.
Protein change: p.Arg76=; no amino-acid change (arginine 76 retained).
Molecular consequence: synonymous variant.
Genome position (GRCh38, 1-based): chr3:191,358,113, C>T. VCF-style: chr3-191358113-C-T. GRCh37 (hg19) VCF-style: chr3-191075902-C-T.
Other names: p.Arg76=; c.228C>T, p.Arg76= (NM_174908.4).
Identifiers: ClinVar variation 48153 (VCV000048153.14), dbSNP rs11542549, ClinGen allele CA142712.